The following is an entry in ClinVar:

NM_031844.3(HNRNPU):c.538G>A (p.Ala180Thr)

Gene: HNRNPU (heterogeneous nuclear ribonucleoprotein U; minus strand). Cytogenetic location: 1q44.
Variant type: single nucleotide variant.
Coding change: c.538G>A on transcript NM_031844.3 (MANE Select); coding-DNA position 538, G replaced by A.
Protein change: p.Ala180Thr; replaces alanine 180 with threonine.
Molecular consequence: missense variant.
Genome position (GRCh38, 1-based): chr1:244,863,770, C>T on the plus strand (G>A on the coding strand, the complement: HNRNPU is on the minus strand). VCF-style: chr1-244863770-C-T. GRCh37 (hg19) VCF-style: chr1-245027072-C-T.
Other names: c.538G>A, p.Ala180Thr (NM_004501.3); short protein forms A180T.
Identifiers: ClinVar variation 2696128 (VCV002696128.3), dbSNP rs2527894599, ClinGen allele CA345496650.
Genomic context (GRCh38, chr1:244,863,770, plus strand): 5'-GCGCCACCGTCACCGCGAACAGCGAGGTGGGGCCGCTGCTCTTCCCCGCGGCCTCCTTGG[C>T]GGCCCCGCGCTGCTGTTGGGGCTGTTGCTGCTGCGTCGCCGGCGGTTGAGGCTGCTGCTC-3'
Protein context (NP_114032.2, residues 170-190): QQQPQQQRGA[Ala180Thr]KEAAGKSSGP

ClinVar aggregate classification (germline): Uncertain significance (1 of 4 stars; one submission).

Conditions:
Developmental and epileptic encephalopathy, 54. Also called: HNRNPU-Related Neurodevelopmental Disorder; Epileptic encephalopathy, early infantile, 54. Identifiers: MedGen C4479319, MONDO:0033363, OMIM 617391.

Submission:

Labcorp Genetics (formerly Invitae), Labcorp
Classification: Uncertain significance for Developmental and epileptic encephalopathy, 54. Last evaluated: 2023-11-15. Review status: criteria provided, single submitter. Criteria: Invitae Variant Classification Sherloc (09022015). Collection method: clinical testing. Allele origin: germline.
Comment: This sequence change replaces alanine, which is neutral and non-polar, with threonine, which is neutral and polar, at codon 180 of the HNRNPU protein (p.Ala180Thr). This variant is not present in population databases (gnomAD no frequency). This variant has not been reported in the literature in individuals affected with HNRNPU-related conditions. Algorithms developed to predict the effect of missense changes on protein structure and function output the following: SIFT: "Not Available"; PolyPhen-2: "Possibly Damaging"; Align-GVGD: "Not Available". The threonine amino acid residue is found in multiple mammalian species, which suggests that this missense change does not adversely affect protein function. In summary, the available evidence is currently insufficient to determine the role of this variant in disease. Therefore, it has been classified as a Variant of Uncertain Significance.